The following is an entry in ClinVar:

NM_182760.4(SUMF1):c.603-2A>T

Gene: SUMF1 (sulfatase modifying factor 1; minus strand). Cytogenetic location: 3p26.1.
Variant type: single nucleotide variant.
Coding change: c.603-2A>T on transcript NM_182760.4 (MANE Select); the canonical splice acceptor site of the intron before coding-DNA position 603, A replaced by T.
Molecular consequence: splice acceptor variant.
Genome position (GRCh38, 1-based): chr3:4,418,134, T>A on the plus strand (A>T on the coding strand, the complement: SUMF1 is on the minus strand). VCF-style: chr3-4418134-T-A. GRCh37 (hg19) VCF-style: chr3-4459818-T-A.
Other names: c.528-2A>T (NM_001164674.2); c.603-2A>T (NM_001164675.2).
Identifiers: ClinVar variation 1378318 (VCV001378318.8), dbSNP rs2125035931, ClinGen allele CA351632813.

ClinVar aggregate classification (germline): Pathogenic (1 of 4 stars; one submission).

Conditions:
Multiple sulfatase deficiency (MSD). Also called: Mucosulfatidosis; Multiple Sulfatase Deficiency Disease; Sulfatidosis, Juvenile, Austin Type. Identifiers: Orphanet 585, MedGen C0268263, MONDO:0010088, OMIM 272200.

Submission:

Labcorp Genetics (formerly Invitae), Labcorp
Classification: Pathogenic for Multiple sulfatase deficiency. Last evaluated: 2021-03-28. Review status: criteria provided, single submitter. Criteria: Invitae Variant Classification Sherloc (09022015). Collection method: clinical testing. Allele origin: germline.
Comment: Disruption of this splice site has been observed in individual(s) with multiple sulfatase deficiency (PMID: 12757706, 22106832). This variant is not present in population databases (ExAC no frequency). This sequence change affects an acceptor splice site in intron 4 of the SUMF1 gene. It is expected to disrupt RNA splicing. Variants that disrupt the donor or acceptor splice site typically lead to a loss of protein function (PMID: 16199547), and loss-of-function variants in SUMF1 are known to be pathogenic (PMID: 12757705, 12757706, 25885655). Algorithms developed to predict the effect of sequence changes on RNA splicing suggest that this variant may disrupt the consensus splice site, but this prediction has not been confirmed by published transcriptional studies. For these reasons, this variant has been classified as Pathogenic.

Literature cited by the submitters: PubMed 12757706; PubMed 22106832; PubMed 16199547; PubMed 12757705; PubMed 25885655.